The following is an entry in ClinVar:

NM_198576.4(AGRN):c.1939G>A (p.Glu647Lys)

Gene: AGRN (agrin; plus strand). Cytogenetic location: 1p36.33.
Variant type: single nucleotide variant.
Coding change: c.1939G>A on transcript NM_198576.4 (MANE Select); coding-DNA position 1939, G replaced by A.
Protein change: p.Glu647Lys; replaces glutamic acid 647 with lysine.
Molecular consequence: missense variant.
Genome position (GRCh38, 1-based): chr1:1,043,963, G>A. VCF-style: chr1-1043963-G-A. GRCh37 (hg19) VCF-style: chr1-979343-G-A.
Other names: c.1939G>A, p.Glu647Lys (NM_001305275.2); c.1624G>A, p.Glu542Lys (NM_001364727.2); short protein forms E542K, E647K.
Identifiers: ClinVar variation 1029350 (VCV001029350.1), dbSNP rs1645019779, ClinGen allele CA337835353.
Genomic context (GRCh38, chr1:1,043,963, plus strand): 5'-CCGCCCGGCCCCGTGTGTGGCAGCGACGGTGTCACCTACGGCAGTGCCTGCGAGCTACGG[G>A]AAGCCGCCTGCCTCCAGCAGACACAGATCGAGGAGGCCCGGGCAGGGCCGTGCGAGCAGG-3'
Protein context (NP_940978.2, residues 637-657): VTYGSACELR[Glu647Lys]AACLQQTQIE

ClinVar aggregate classification (germline): Uncertain significance (1 of 4 stars; one submission).

Conditions:
Congenital myasthenic syndrome 8. Also called: MYASTHENIC SYNDROME, CONGENITAL, DUE TO AGRIN DEFICIENCY; Myasthenic syndrome, congenital, 8, with pre- and postsynaptic defects. Identifiers: Orphanet 590, MedGen C3808739, MONDO:0014052, OMIM 615120.

Submission:

Baylor Genetics
Classification: Uncertain significance for Congenital myasthenic syndrome 8. Last evaluated: 2019-08-08. Review status: criteria provided, single submitter. Criteria: ACMG Guidelines, 2015. Collection method: clinical testing. Allele origin: unknown. Affected: yes.
Comment: This variant was determined to be of uncertain significance according to ACMG Guidelines, 2015 [PMID:25741868].